The following is an entry in ClinVar:

NM_000212.3(ITGB3):c.1545G>A (p.Arg515=)

Gene: ITGB3 (integrin subunit beta 3; plus strand). Cytogenetic location: 17q21.32.
Variant type: single nucleotide variant.
Coding change: c.1545G>A on transcript NM_000212.3 (MANE Select); coding-DNA position 1545, G replaced by A.
Protein change: p.Arg515=; no amino-acid change (arginine 515 retained).
Molecular consequence: synonymous variant.
Genome position (GRCh38, 1-based): chr17:47,292,423, G>A. VCF-style: chr17-47292423-G-A. GRCh37 (hg19) VCF-style: chr17-45369789-G-A.
Other names: NM_000212.3(ITGB3):c.1545G>A; p.Arg515=.
Identifiers: ClinVar variation 255537 (VCV000255537.26), dbSNP rs4634, ClinGen allele CA8623284.

ClinVar aggregate classification (germline): Benign. Review status: reviewed by expert panel (3 of 4 stars). 11 submissions from 11 submitters: Benign (1). 10 of the submissions do not count toward it. Last evaluated 2023-01-17.

Conditions:
Glanzmann thrombasthenia. Also called: PLATELET GLYCOPROTEIN IIb-IIIa DEFICIENCY; THROMBASTHENIA OF GLANZMANN AND NAEGELI; Glanzmann's thrombasthenia; Thrombasthenia. Identifiers: Orphanet 849, MedGen C0040015, MONDO:0100326.

Allele frequency attached by ClinVar (database versions not stated): TOPMed 0.28228; 1000 Genomes Project 30x 0.28357; ESP Exome Variant Server 0.28387; gnomAD 0.28592 and 0.28611; gnomAD exomes 0.28628 and 0.28923; ExAC 0.28730; 1000 Genomes Project 0.28734.
gnomAD v4.1: 465,695 of 1,611,026 alleles (29%); highest among the groups gnomAD compares: East Asian, 34%; 67,908 homozygotes.

Submissions (11):

ClinGen Platelet Disorders Variant Curation Expert Panel, ClinGen
Classification: Benign for Glanzmann thrombasthenia. Last evaluated: 2023-01-17. Review status: reviewed by expert panel. Criteria: ClinGen Platelet ACMG Specifications v2-1. Collection method: curation. Allele origin: germline. Inheritance: Autosomal recessive inheritance.
Comment: After a comprehensive literature search of the synonymous variant NM_000212.3(ITGB3):c.1545G>A (p.Arg515=), no individuals with Glanzmann thrombasthenia were reported with the variant. Moreover, the variant has a minor allele frequency of 0.3455 (6891/19946 alleles) in gnomAD, found in the East Asian population, which is considerably higher than the expected frequency of the disease(BA1). In silico predictor spliceAI revealed that the synonymous mutation is not expected to impact splicing and a PhyloP score of 0.285 shows that the nucleotide position is not highly conserved (BP4, BP7). In summary, this variant meets the criteria to be classified as Benign for autosomal recessive Glanzmann Thrombasthenia based on the ACMG/AMP criteria applied, as specified by the ClinGen PD VCEP: BA1, BP4, BP7 (PD VCEP specifications version 2.1).

Labcorp Genetics (formerly Invitae), Labcorp
Classification: Benign. Last evaluated: 2026-02-04. Review status: criteria provided, single submitter. Criteria: Invitae Variant Classification Sherloc (09022015). Collection method: clinical testing. Allele origin: germline. Not counted in ClinVar's aggregate classification.

Women's Health and Genetics/Laboratory Corporation of America, LabCorp
Classification: Benign. Last evaluated: 2026-01-10. Review status: criteria provided, single submitter. Criteria: LabCorp Variant Classification Summary - May 2015. Collection method: clinical testing. Allele origin: germline. Not counted in ClinVar's aggregate classification.

Blueprint Genetics
Classification: Likely benign. Last evaluated: 2024-11-28. Review status: criteria provided, single submitter. Criteria: ACMG Guidelines, 2015. Collection method: clinical testing. Allele origin: germline. Not counted in ClinVar's aggregate classification.

Mayo Clinic Laboratories, Mayo Clinic
Classification: Benign. Last evaluated: 2022-09-29. Review status: criteria provided, single submitter. Criteria: ACMG Guidelines, 2015. Collection method: clinical testing. Allele origin: germline. Observed: 288 variant alleles. Not counted in ClinVar's aggregate classification.

GeneDx
Classification: Benign. Last evaluated: 2021-06-09. Review status: criteria provided, single submitter. Criteria: GeneDx Variant Classification Process June 2021. Collection method: clinical testing. Allele origin: germline. Affected: yes. Not counted in ClinVar's aggregate classification.

Illumina Laboratory Services, Illumina
Classification: Benign for Glanzmann thrombasthenia 1. Last evaluated: 2018-01-12. Review status: criteria provided, single submitter. Criteria: ICSL Variant Classification Criteria 13 December 2019. Collection method: clinical testing. Allele origin: germline. Not counted in ClinVar's aggregate classification.
Comment: This variant was observed in the ICSL laboratory as part of a predisposition screen in an ostensibly healthy population. It had not been previously curated by ICSL or reported in the Human Gene Mutation Database (HGMD: prior to June 1st, 2018), and was therefore a candidate for classification through an automated scoring system. Utilizing variant allele frequency, disease prevalence and penetrance estimates, and inheritance mode, an automated score was calculated to assess if this variant is too frequent to cause the disease. Based on the score and internal cut-off values, a variant classified as benign is not then subjected to further curation. The score for this variant resulted in a classification of benign for this disease.

Breakthrough Genomics
Classification: Benign. Review status: criteria provided, single submitter. Criteria: ACMG Guidelines, 2015. Collection method: not provided. Allele origin: germline. Inheritance: Autosomal recessive inheritance. Affected: yes. Not counted in ClinVar's aggregate classification.

PreventionGenetics, part of Exact Sciences
Classification: Benign. Review status: criteria provided, single submitter. Criteria: ACMG Guidelines, 2015. Collection method: clinical testing. Allele origin: germline. Not counted in ClinVar's aggregate classification.

Diagnostic Laboratory, Department of Genetics, University Medical Center Groningen
Classification: Benign. Review status: no assertion criteria provided. Collection method: clinical testing. Allele origin: germline. Affected: yes. Study: VKGL Data-share Consensus. Not counted in ClinVar's aggregate classification.

Joint Genome Diagnostic Labs from Nijmegen and Maastricht, Radboudumc and MUMC+
Classification: Benign. Review status: no assertion criteria provided. Collection method: clinical testing. Allele origin: germline. Affected: yes. Study: VKGL Data-share Consensus. Not counted in ClinVar's aggregate classification.